The following is an entry in ClinVar:

ClinVar aggregate classification (germline): Likely pathogenic (1 of 4 stars; one submission).

Conditions:
PKP2-related disorder. Also called: PKP2-related condition.

Submission:

PreventionGenetics, part of Exact Sciences
Classification: Likely pathogenic for PKP2-related condition. Last evaluated: 2026-09-08. Review status: criteria provided, single submitter. Criteria: ACMG Guidelines, 2015. Collection method: clinical testing. Allele origin: germline.
Comment: The PKP2 c.1148delA variant is predicted to result in a frameshift and premature protein termination (p.Gln383Argfs*22). To our knowledge, this variant has not been reported in the literature or in a large population database (gnomAD), indicating this variant is rare. Frameshift variants in PKP2 are expected to be pathogenic. This variant is interpreted as likely pathogenic.

NM_001005242.3(PKP2):c.1148del (p.Gln383fs)

Gene: PKP2 (plakophilin 2; minus strand). Cytogenetic location: 12p11.21.
Variant type: Deletion.
Coding change: c.1148del on transcript NM_001005242.3 (MANE Select); coding-DNA position 1148, one base deleted (A; older notation c.1148delA).
Protein change: p.Gln383fs; shifts the reading frame from glutamine 383.
Molecular consequence: frameshift variant.
Genome position (GRCh38, 1-based): chr12:32,868,949, T deleted on the plus strand (A on the coding strand, the reverse complement: PKP2 is on the minus strand). VCF-style (leftmost placement, unchanged base first): chr12-32868948-CT-C. GRCh37 (hg19) VCF-style: chr12-33021882-CT-C.
Other names: c.1148del, p.Gln383fs (NM_001407155.1, NM_001407156.1, NM_001407157.1 and 2 more transcripts); c.821del, p.Gln274fs (NM_001407158.1, NM_001407159.1, NM_001407160.1 and 1 more transcripts); short protein forms Q274fs, Q383fs.
Identifiers: ClinVar variation 4995397 (VCV004995397.1).